The following is an entry in ClinVar:

NM_007294.4(BRCA1):c.1392C>T (p.Thr464=)

Gene: BRCA1 (BRCA1 DNA repair associated; minus strand). Cytogenetic location: 17q21.31.
Variant type: single nucleotide variant.
Coding change: c.1392C>T on transcript NM_007294.4 (MANE Select); coding-DNA position 1392, C replaced by T.
Protein change: p.Thr464=; no amino-acid change (threonine 464 retained).
Molecular consequence: synonymous variant. On other transcripts: intron variant (137).
Genome position (GRCh38, 1-based): chr17:43,094,139, G>A on the plus strand (C>T on the coding strand, the complement: BRCA1 is on the minus strand). VCF-style: chr17-43094139-G-A. GRCh37 (hg19) VCF-style: chr17-41246156-G-A.
Other names: p.T464T:ACC>ACT; c.1269C>T, p.Thr423= (NM_001407679.1, NM_001407680.1, NM_001407681.1 and 19 more transcripts); c.1392C>T, p.Thr464= (NM_001407684.1, NM_001407854.1, NM_001407858.1 and 30 more transcripts); c.1266C>T, p.Thr422= (NM_001407685.1, NM_001407686.1, NM_001407687.1 and 11 more transcripts); c.1251C>T, p.Thr417= (NM_001407692.1, NM_001407694.1, NM_001407695.1 and 29 more transcripts); c.1248C>T, p.Thr416= (NM_001407740.1, NM_001407741.1, NM_001407742.1 and 20 more transcripts); c.1179C>T, p.Thr393= (NM_001407853.1, NM_001407894.1, NM_001407895.1 and 9 more transcripts); c.1389C>T, p.Thr463= (NM_001407860.1, NM_001407861.1, NM_001407587.1 and 22 more transcripts); and 41 more.
Identifiers: ClinVar variation 136541 (VCV000136541.38), dbSNP rs533802049, ClinGen allele CA000934.
Genomic context (GRCh38, chr17:43,094,139, plus strand): 5'-TCCTATAATTAGATTTTCAGTTACATGGCTTAAGTTGGGGAGGCTTGCCTTCTTCCGATA[G>A]GTTTTCCCAAATATTTTGTCTTCAATATTACTCTCTACTGATTTGGAGTGAACTCTTTCA-3'
Protein context (NP_009225.1, residues 454-474): SNIEDKIFGK[Thr464=]YRKKASLPNL

ClinVar aggregate classification (germline): Benign. Review status: reviewed by expert panel (3 of 4 stars). 15 submissions from 15 submitters: Benign (1). 14 of the submissions do not count toward it. Last evaluated 2017-06-29.

Conditions:
BRCA1-related disorder. Also called: BRCA1-related condition.
Hereditary cancer-predisposing syndrome. Also called: Tumor predisposition; Hereditary neoplastic syndrome; Hereditary Cancer Syndrome; Neoplastic Syndromes, Hereditary. Identifiers: Orphanet 140162, MedGen C0027672, MeSH D009386, MONDO:0015356.
Breast neoplasm. Also called: Neoplasm of breast; Breast tumor; Neoplasm of the breast; Breast Neoplasms. Identifiers: MedGen C1458155, MeSH D001943, MONDO:0021100, HP:0100013. Disease mechanism: gain of function.
Hereditary breast ovarian cancer syndrome. Also called: Hereditary breast and/or ovarian cancer syndrome; Breast and ovarian cancer; Hereditary breast and ovarian cancer syndrome; Hereditary breast and ovarian cancer; Hereditary breast and ovarian cancer syndrome (HBOC); BRCA1- and BRCA2-Associated Hereditary Breast and Ovarian Cancer. Identifiers: Orphanet 145, MedGen C0677776, MeSH D061325, MONDO:0003582. Disease mechanism: loss of function.
Breast-ovarian cancer, familial, susceptibility to, 1 (BROVCA1). Also called: BRCA1 Hereditary Breast and Ovarian Cancer; OVARIAN CANCER, SUSCEPTIBILITY TO. Identifiers: Orphanet 145, MedGen C2676676, MONDO:0011450, OMIM 604370. Disease mechanism: loss of function.
Malignant tumor of breast. Also called: Malignant breast neoplasm; Cancer breast. Identifiers: MedGen C0006142, MONDO:0007254. Disease mechanism: loss of function.

Allele frequency attached by ClinVar (database versions not stated): gnomAD exomes 0.00002 and 0.00013; TOPMed 0.00005; gnomAD 0.00006; ExAC 0.00007; 1000 Genomes Project 30x 0.00031; 1000 Genomes Project 0.00040.

Submissions (15):

Evidence-based Network for the Interpretation of Germline Mutant Alleles (ENIGMA)
Classification: Benign for Breast-ovarian cancer, familial, susceptibility to, 1. Last evaluated: 2017-06-29. Review status: reviewed by expert panel. Criteria: ENIGMA BRCA1/2 Classification Criteria (2017-06-29). Collection method: curation. Allele origin: germline.
Comment: Synonymous substitution variant, with low bioinformatic likelihood to alter mRNA splicing (splicing prior 0.02) and frequency 0.001 (East Asian), derived from ExAC (2014-12-17).

Labcorp Genetics (formerly Invitae), Labcorp
Classification: Benign for Hereditary breast ovarian cancer syndrome. Last evaluated: 2026-01-31. Review status: criteria provided, single submitter. Criteria: Invitae Variant Classification Sherloc (09022015). Collection method: clinical testing. Allele origin: germline. Not counted in ClinVar's aggregate classification.

PreventionGenetics, part of Exact Sciences
Classification: Likely benign for BRCA1-related condition. Last evaluated: 2025-12-31. Review status: criteria provided, single submitter. Criteria: ACMG Guidelines, 2015. Collection method: clinical testing. Allele origin: germline. Not counted in ClinVar's aggregate classification.
Comment: This variant is classified as likely benign based on ACMG/AMP sequence variant interpretation guidelines (Richards et al. 2015 PMID: 25741868, with internal and published modifications).

ARUP Laboratories, Molecular Genetics and Genomics, ARUP Laboratories
Classification: Benign. Last evaluated: 2021-10-25. Review status: criteria provided, single submitter. Criteria: ARUP Molecular Germline Variant Investigation Process 2021. Collection method: clinical testing. Allele origin: germline. Not counted in ClinVar's aggregate classification.

Sema4
Classification: Likely benign for Hereditary cancer-predisposing syndrome. Last evaluated: 2021-06-03. Review status: criteria provided, single submitter. Criteria: Sema4 Curation Guidelines. Collection method: curation. Allele origin: germline. Not counted in ClinVar's aggregate classification.

Mendelics
Classification: Benign for Breast-ovarian cancer, familial, susceptibility to, 1. Last evaluated: 2019-05-28. Review status: criteria provided, single submitter. Criteria: Mendelics Assertion Criteria 2017. Collection method: clinical testing. Allele origin: unknown. Not counted in ClinVar's aggregate classification.

Women's Health and Genetics/Laboratory Corporation of America, LabCorp
Classification: Benign. Last evaluated: 2019-04-10. Review status: criteria provided, single submitter. Criteria: LabCorp Variant Classification Summary - May 2015. Collection method: clinical testing. Allele origin: germline. Not counted in ClinVar's aggregate classification.
Comment: Variant summary: BRCA1 c.1392C>T results in a synonymous change. 5/5 computational tools predict no significant impact on normal splicing. However, these predictions have yet to be confirmed by functional studies. The variant allele was found at a frequency of 0.00011 in 301874 control chromosomes, predominantly at a frequency of 0.0016 within the East Asian subpopulation in the gnomAD database. The observed variant frequency within East Asian control individuals in the gnomAD database is approximately 1.6 fold of the estimated maximal expected allele frequency for a pathogenic variant in BRCA1 causing Hereditary Breast and Ovarian Cancer phenotype (0.001), strongly suggesting that the variant is a benign polymorphism found primarily in populations of East Asian origin. c.1392C>T has been reported in the literature in individuals affected with Hereditary Breast and Ovarian Cancer, predominantly of Chinese ethnicity (Bhaskaran_2019, Judkins_2005, Sun_2014, Tang_1999, Zhong_2016). These report(s) do not provide unequivocal conclusions about association of the variant with Hereditary Breast and Ovarian Cancer. To our knowledge, no experimental evidence demonstrating an impact on protein function has been reported. Eight ClinVar submissions from clinical diagnostic laboratories and an expert panel cite the variant predominantly as likely benign/benign. Based on the evidence outlined above, the variant was classified as benign.

GeneDx
Classification: Benign. Last evaluated: 2018-12-06. Review status: criteria provided, single submitter. Criteria: GeneDx Variant Classification Process June 2021. Collection method: clinical testing. Allele origin: germline. Affected: yes. Not counted in ClinVar's aggregate classification.
Comment: This variant is associated with the following publications: (PMID: 25337278, 27257965, 16267036, 10340909, 30702160)

Quest Diagnostics Nichols Institute San Juan Capistrano
Classification: Likely benign. Last evaluated: 2018-06-26. Review status: criteria provided, single submitter. Criteria: Quest Diagnostics criteria. Collection method: clinical testing. Allele origin: germline. Not counted in ClinVar's aggregate classification.

Cancer Genetics and Genomics Laboratory, British Columbia Cancer Agency
Classification: Likely benign. Last evaluated: 2017-04-18. Review status: criteria provided, single submitter. Criteria: ACMG Guidelines, 2015. Collection method: clinical testing. Allele origin: germline. Study: The Canadian Open Genetics Repository (COGR). Not counted in ClinVar's aggregate classification.

Color Diagnostics, LLC DBA Color Health
Classification: Likely benign for Hereditary cancer-predisposing syndrome. Last evaluated: 2015-12-28. Review status: criteria provided, single submitter. Criteria: ACMG Guidelines, 2015. Collection method: clinical testing. Allele origin: germline. Not counted in ClinVar's aggregate classification.

Laboratory of Molecular Diagnosis of Cancer, West China Hospital, Sichuan University
Classification: Uncertain significance for Breast neoplasm. Last evaluated: 2015-11-01. Review status: criteria provided, single submitter. Criteria: ACMG Guidelines, 2015. Collection method: research. Allele origin: germline. Affected: yes. Observed: 1 variant allele. Not counted in ClinVar's aggregate classification.

Ambry Genetics
Classification: Likely benign for Hereditary cancer-predisposing syndrome. Last evaluated: 2014-08-05. Review status: criteria provided, single submitter. Criteria: Ambry Variant Classification Scheme 2023. Collection method: clinical testing. Allele origin: germline. Not counted in ClinVar's aggregate classification.

Counsyl
Classification: Likely benign for Breast-ovarian cancer, familial, susceptibility to, 1. Last evaluated: 2017-05-26. Review status: no assertion criteria provided. Collection method: clinical testing. Allele origin: unknown. Not counted in ClinVar's aggregate classification.

Department of Pathology and Laboratory Medicine, Sinai Health System
Classification: Likely benign for Malignant tumor of breast. Review status: no assertion criteria provided. Collection method: clinical testing. Allele origin: unknown. Affected: yes. Study: The Canadian Open Genetics Repository (COGR). Not counted in ClinVar's aggregate classification.
Comment: The BRCA1 p.Thr464= variant was identified in 9 of 111520 proband chromosomes (frequency: 0.0001) from individuals or families with breast cancer (Judkins 2005, Tang 1999). The variant was also identified in dbSNP (ID: rs533802049) as With other allele, ClinVar (classified as benign by Enigma, GeneDx; classified as likely benign by Ambry Genetics, Invitae), Clinvitae (conflicting interpretations of pathogenicity by ClinVar; likely benign by Invitae), Genesight-COGR (benign, likely benign, uncertain significance), UMD-LSDB (1X as class3), Zhejiang Colon Cancer Database (1X), databases. The variant was not identified in LOVD 3.0, BIC Database, ARUP Laboratories, databases. The variant was identified in control databases in 31 of 276894 chromosomes at a frequency of 0.000112 (Genome Aggregation Database Feb 27, 2017). Breakdown of the observations by population include EastAsian in 31 of 18866 chromosomes (freq: 0.0016), while the variant was not observed in the African, Other, Latino, EuropeanNon-Finnish, AshkenaziJewish, EuropeanFinnish, and SouthAsian populations. The p.Thr464= variant is not expected to have clinical significance because it does not result in a change of amino acid and is not located in a known consensus splice site. In addition, in silico or computational prediction software programs (SpliceSiteFinder, MaxEntScan, NNSPLICE, GeneSplicer, HumanSpliceFinder) do not predict a difference in splicing. In summary, based on the above information, the clinical significance of this variant cannot be determined with certainty at this time although we would lean towards a more benign role for this variant. This variant is classified as likely benign.

Literature cited by the submitters: PubMed 16267036 (cited by Women's Health and Genetics/Laboratory Corporation of America, LabCorp and Counsyl); PubMed 25337278 (cited by Women's Health and Genetics/Laboratory Corporation of America, LabCorp and Counsyl); PubMed 10340909 (cited by Women's Health and Genetics/Laboratory Corporation of America, LabCorp and Counsyl); PubMed 27257965 (cited by 3 submitters); PubMed 30702160 (cited by Women's Health and Genetics/Laboratory Corporation of America, LabCorp).